The following is an entry in ClinVar:

ClinVar aggregate classification (germline): Likely benign. Review status: criteria provided, single submitter (1 of 4 stars). 2 submissions from 2 submitters: Likely benign (1). 1 of the submissions does not count toward it. Last evaluated 2025-10-07.

Conditions:
VPS13C-related disorder. Also called: VPS13C-related condition.

Allele frequency attached by ClinVar (database versions not stated): gnomAD exomes 0.00013; 1000 Genomes Project 30x 0.00062; TOPMed 0.00002; ExAC 0.00035; gnomAD 0.00004; 1000 Genomes Project 0.00080.
gnomAD v4.1: 188 of 1,604,356 alleles (0.012%); highest among the groups gnomAD compares: South Asian, 0.2%; no homozygotes.

Submissions (2):

Mayo Clinic Laboratories, Mayo Clinic
Classification: Likely benign. Last evaluated: 2025-10-07. Review status: criteria provided, single submitter. Criteria: ACMG Guidelines, 2015. Collection method: clinical testing. Allele origin: germline. Observed: 1 variant allele.
Comment: BS1, BP4, BP7

PreventionGenetics, part of Exact Sciences
Classification: Likely benign for VPS13C-related condition. Last evaluated: 2019-04-18. Review status: no assertion criteria provided. Collection method: clinical testing. Allele origin: germline. Not counted in ClinVar's aggregate classification.
Comment: This variant is classified as likely benign based on ACMG/AMP sequence variant interpretation guidelines (Richards et al. 2015 PMID: 25741868, with internal and published modifications).

NM_020821.3(VPS13C):c.6552T>C (p.Cys2184=)

Gene: VPS13C (vacuolar protein sorting 13 homolog C; minus strand). Cytogenetic location: 15q22.2.
Variant type: single nucleotide variant.
Coding change: c.6552T>C on transcript NM_020821.3 (MANE Select); coding-DNA position 6552, T replaced by C.
Protein change: p.Cys2184=; no amino-acid change (cysteine 2184 retained).
Molecular consequence: synonymous variant.
Genome position (GRCh38, 1-based): chr15:61,925,513, A>G on the plus strand (T>C on the coding strand, the complement: VPS13C is on the minus strand). VCF-style: chr15-61925513-A-G. GRCh37 (hg19) VCF-style: chr15-62217712-A-G.
Other names: p.Cys2184=; c.6552T>C, p.Cys2184= (NM_001018088.3); c.6423T>C, p.Cys2141= (NM_017684.5, NM_018080.4).
Identifiers: ClinVar variation 3057362 (VCV003057362.3), dbSNP rs577933600, ClinGen allele CA7595515.